The following is an entry in ClinVar:

NM_144498.4(OSBPL2):c.1009G>A (p.Gly337Arg)

Gene: OSBPL2 (oxysterol binding protein like 2; plus strand). Cytogenetic location: 20q13.33.
Variant type: single nucleotide variant.
Coding change: c.1009G>A on transcript NM_144498.4 (MANE Select); coding-DNA position 1009, G replaced by A.
Protein change: p.Gly337Arg; replaces glycine 337 with arginine.
Molecular consequence: missense variant.
Genome position (GRCh38, 1-based): chr20:62,286,595, G>A. VCF-style: chr20-62286595-G-A. GRCh37 (hg19) VCF-style: chr20-60861651-G-A.
Other names: c.733G>A, p.Gly245Arg (NM_001278649.3, NM_001363878.2); c.973G>A, p.Gly325Arg (NM_014835.5); short protein forms G325R, G245R, G337R.
Identifiers: ClinVar variation 2719247 (VCV002719247.3), dbSNP rs548362813, ClinGen allele CA9938675.

ClinVar aggregate classification (germline): Uncertain significance (1 of 4 stars; one submission).

Allele frequency attached by ClinVar (database versions not stated): gnomAD 0.00001; gnomAD exomes 0.00001; ExAC 0.00003; 1000 Genomes Project 30x 0.00016; 1000 Genomes Project 0.00020.
gnomAD v4.1: 24 of 1,613,350 alleles (0.0015%); highest among the groups gnomAD compares: East Asian, 0.0067%; no homozygotes.

Submission:

Labcorp Genetics (formerly Invitae), Labcorp
Classification: Uncertain significance. Last evaluated: 2023-12-14. Review status: criteria provided, single submitter. Criteria: Invitae Variant Classification Sherloc (09022015). Collection method: clinical testing. Allele origin: germline.
Comment: This sequence change replaces glycine, which is neutral and non-polar, with arginine, which is basic and polar, at codon 337 of the OSBPL2 protein (p.Gly337Arg). This variant is present in population databases (rs548362813, gnomAD 0.01%). This variant has not been reported in the literature in individuals affected with OSBPL2-related conditions. Algorithms developed to predict the effect of missense changes on protein structure and function output the following: SIFT: "Not Available"; PolyPhen-2: "Benign"; Align-GVGD: "Not Available". The arginine amino acid residue is found in multiple mammalian species, which suggests that this missense change does not adversely affect protein function. In summary, the available evidence is currently insufficient to determine the role of this variant in disease. Therefore, it has been classified as a Variant of Uncertain Significance.